The following is an entry in ClinVar:

NM_203447.4(DOCK8):c.2019T>G (p.Ile673Met)

Gene: DOCK8 (dedicator of cytokinesis 8; plus strand). Cytogenetic location: 9p24.3.
Variant type: single nucleotide variant.
Coding change: c.2019T>G on transcript NM_203447.4 (MANE Select); coding-DNA position 2019, T replaced by G.
Protein change: p.Ile673Met; replaces isoleucine 673 with methionine.
Molecular consequence: missense variant.
Genome position (GRCh38, 1-based): chr9:372,196, T>G. VCF-style: chr9-372196-T-G. GRCh37 (hg19) VCF-style: chr9-372196-T-G.
Other names: c.1815T>G, p.Ile605Met (NM_001190458.2, NM_001193536.2); short protein forms I605M, I673M.
Identifiers: ClinVar variation 1962684 (VCV001962684.5), dbSNP rs1364877539, ClinGen allele CA372761701.

ClinVar aggregate classification (germline): Uncertain significance (1 of 4 stars; one submission).

Conditions:
Combined immunodeficiency due to DOCK8 deficiency (HIES2). Also called: HYPER-IgE SYNDROME 2, AUTOSOMAL RECESSIVE, WITH RECURRENT INFECTIONS; HIES autosomal recessive; Hyper-IgE recurrent infection syndrome, autosomal recessive; HYPER-IgE RECURRENT INFECTION SYNDROME 2, AUTOSOMAL RECESSIVE; DOCK8 Deficiency. Identifiers: Orphanet 217390, MedGen C4722305, MONDO:0009478, OMIM 243700.

Allele frequency attached by ClinVar (database versions not stated): gnomAD exomes below 0.00001; TOPMed below 0.00001; gnomAD 0.00001.
gnomAD v4.1: 2 of 1,613,936 alleles (0.00012%); highest among the groups gnomAD compares: Non-Finnish European, 0.00017%; no homozygotes.

Submission:

Labcorp Genetics (formerly Invitae), Labcorp
Classification: Uncertain significance for Combined immunodeficiency due to DOCK8 deficiency. Last evaluated: 2022-09-22. Review status: criteria provided, single submitter. Criteria: Invitae Variant Classification Sherloc (09022015). Collection method: clinical testing. Allele origin: germline.
Comment: In summary, the available evidence is currently insufficient to determine the role of this variant in disease. Therefore, it has been classified as a Variant of Uncertain Significance. Advanced modeling of protein sequence and biophysical properties (such as structural, functional, and spatial information, amino acid conservation, physicochemical variation, residue mobility, and thermodynamic stability) performed at Invitae indicates that this missense variant is not expected to disrupt DOCK8 protein function. This variant has not been reported in the literature in individuals affected with DOCK8-related conditions. This variant is not present in population databases (gnomAD no frequency). This sequence change replaces isoleucine, which is neutral and non-polar, with methionine, which is neutral and non-polar, at codon 673 of the DOCK8 protein (p.Ile673Met).